The following is an entry in ClinVar:

ClinVar aggregate classification (germline): Conflicting classifications of pathogenicity. Review status: criteria provided, conflicting classifications (1 of 4 stars). 17 submissions from 17 submitters: Uncertain significance (2); Benign (3); Likely benign (6). 6 of the submissions do not count toward it. Last evaluated 2026-02-03.

Conditions:
BRCA1-related disorder. Also called: BRCA1-related condition.
Breast and/or ovarian cancer. Identifiers: MedGen CN221562.
Hereditary cancer-predisposing syndrome. Also called: Tumor predisposition; Hereditary neoplastic syndrome; Neoplastic Syndromes, Hereditary; Hereditary Cancer Syndrome. Identifiers: Orphanet 140162, MedGen C0027672, MeSH D009386, MONDO:0015356.
Hereditary breast ovarian cancer syndrome. Also called: Hereditary breast and ovarian cancer syndrome (HBOC); Hereditary breast and ovarian cancer; Hereditary breast and ovarian cancer syndrome; Breast and ovarian cancer; Hereditary breast and/or ovarian cancer syndrome; BRCA1- and BRCA2-Associated Hereditary Breast and Ovarian Cancer. Identifiers: Orphanet 145, MedGen C0677776, MeSH D061325, MONDO:0003582. Disease mechanism: loss of function.
Breast-ovarian cancer, familial, susceptibility to, 1 (BROVCA1). Also called: BRCA1 Hereditary Breast and Ovarian Cancer; OVARIAN CANCER, SUSCEPTIBILITY TO. Identifiers: Orphanet 145, MedGen C2676676, MONDO:0011450, OMIM 604370. Disease mechanism: loss of function.
Malignant tumor of breast. Also called: Malignant breast neoplasm; Cancer breast. Identifiers: MedGen C0006142, MONDO:0007254. Disease mechanism: loss of function.

Submissions (17):

Labcorp Genetics (formerly Invitae), Labcorp
Classification: Benign for Hereditary breast ovarian cancer syndrome. Last evaluated: 2026-02-03. Review status: criteria provided, single submitter. Criteria: Invitae Variant Classification Sherloc (09022015). Collection method: clinical testing. Allele origin: germline.

PreventionGenetics, part of Exact Sciences
Classification: Likely benign for BRCA1-related condition. Last evaluated: 2025-10-03. Review status: criteria provided, single submitter. Criteria: ACMG Guidelines, 2015. Collection method: clinical testing. Allele origin: germline.
Comment: This variant is classified as likely benign based on ACMG/AMP sequence variant interpretation guidelines (Richards et al. 2015 PMID: 25741868, with internal and published modifications).

Mayo Clinic Laboratories, Mayo Clinic
Classification: Likely benign. Last evaluated: 2025-07-11. Review status: criteria provided, single submitter. Criteria: ACMG Guidelines, 2015. Collection method: clinical testing. Allele origin: germline. Observed: 2 variant alleles.
Comment: BS1, BP4, BP7

Center for Genomic Medicine, Rigshospitalet, Copenhagen University Hospital
Classification: Likely benign. Last evaluated: 2025-03-04. Review status: criteria provided, single submitter. Criteria: ACMG Guidelines, 2015. Collection method: clinical testing. Allele origin: germline.

Blueprint Genetics
Classification: Likely benign. Last evaluated: 2024-11-14. Review status: criteria provided, single submitter. Criteria: ACMG Guidelines, 2015. Collection method: clinical testing. Allele origin: germline.

CeGaT Center for Human Genetics Tuebingen
Classification: Likely benign. Last evaluated: 2024-06-01. Review status: criteria provided, single submitter. Criteria: CeGaT Center For Human Genetics Tuebingen Variant Classification Criteria Version 2. Collection method: clinical testing. Allele origin: germline. Affected: yes. Observed: 2 variant alleles.
Comment: BRCA1: BP4, BS1

CHEO Genetics Diagnostic Laboratory, Children's Hospital of Eastern Ontario
Classification: Uncertain significance for Breast and/or ovarian cancer. Last evaluated: 2023-05-26. Review status: criteria provided, single submitter. Criteria: ACMG Guidelines, 2015. Collection method: clinical testing. Allele origin: germline. Study: Canadian Open Genetics Repository.

Women's Health and Genetics/Laboratory Corporation of America, LabCorp
Classification: Benign. Last evaluated: 2022-02-28. Review status: criteria provided, single submitter. Criteria: LabCorp Variant Classification Summary - May 2015. Collection method: clinical testing. Allele origin: germline.
Comment: Variant summary: BRCA1 c.547+14delG involves the deletion of a non-conserved nucleotide located close to a canonical splice site which could affect mRNA splicing, leading to a significantly altered protein sequence. 4/4 computational tools predict no significant impact on normal splicing, and a functional study using a mini-gene system confirmed these predictions, showing no aberrant splicing (Steffensen_2014). The variant allele was found at a frequency of 0.00021 in 274964 control chromosomes (gnomAD v2.1 exomes dataset, and publication data), predominantly within the East Asian subpopulation at a frequency of 0.00087 in the gnomAD database. However, the variant was reported in some East Asian subpopulations with a much higher allele frequency, e.g. in the Korean population, the variant allele was found at a frequency of 0.0024. This frequency is 2.4 fold higher than the estimated maximum expected for a pathogenic variant in BRCA1 causing Hereditary Breast and Ovarian Cancer Syndrome (0.001), suggesting the variant is a benign polymorphism found primarily in East Asian subpopulations. c.547+14delG has been reported in the literature in individuals (most of them were from the Korean subpopulation), who were affected with breast- and/or ovarian cancer (e.g. Choi_2015, Ryu_2017, Ha_2020, Han_2020), however the variant was also reported in several healthy controls (e.g. Yoon_2016, Dong_2021). Co-occurrences with other pathogenic variants have been reported (e.g. c.5266dup (p.Gln1756ProfsX74), in the UMD database), providing supporting evidence for a benign role. In addition, in a study involving Korean individuals with a suspicion of high risk of familial breast-/ovarian cancer, multifactorial probability was estimated by performing systematic assessments of variants of unknown significance in the BRCA genes (which included analysis of co-occurrence with known deleterious mutations, personal and family history of cancer and tumor pathology), and predicted this variant to be benign (Park_2021). Six ClinVar submitters have assessed the variant since 2014: two classified the variant as benign, three as likely benign, and one as of uncertain significance. Based on the evidence outlined above, the variant was classified as benign.

Sema4
Classification: Uncertain significance for Hereditary cancer-predisposing syndrome. Last evaluated: 2021-11-10. Review status: criteria provided, single submitter. Criteria: Sema4 Curation Guidelines. Collection method: curation. Allele origin: germline.
Comment: The BRCA1 c.547+14delG variant has been reported in heterozygosity in numerous individuals with breast and/or ovarian cancers (PMID: 25682074, 26402875, 27658390, 33078592). It has also been in controls or individuals from the general population (PMID: 27658390, 32467295). A mini-gene study demonstrated that the variant did not impact splicing (PMID: 24667779). It was observed in 16/18394 chromosomes of the East Asian subpopulation, with no homozygotes, in the large and broad cohorts of the Genome Aggregation Database (PMID: 32461654). The variant has been reported in ClinVar (Variation ID 125880). The evidence is insufficient to meet ACMG/AMP criteria for classifying the variant as benign or pathogenic. Thus, the clinical significance of this variant is currently uncertain.

Color Diagnostics, LLC DBA Color Health
Classification: Likely benign for Hereditary cancer-predisposing syndrome. Last evaluated: 2015-05-07. Review status: criteria provided, single submitter. Criteria: ACMG Guidelines, 2015. Collection method: clinical testing. Allele origin: germline.

GeneDx
Classification: Benign. Last evaluated: 2015-03-03. Review status: criteria provided, single submitter. Criteria: GeneDx Variant Classification Process June 2021. Collection method: clinical testing. Allele origin: germline. Affected: yes.
Comment: This variant is associated with the following publications: (PMID: 28111427, 28364669)

BRCAlab, Lund University
Classification: Likely benign for Breast-ovarian cancer, familial, susceptibility to, 1. Last evaluated: 2020-03-02. Review status: no assertion criteria provided. Collection method: clinical testing. Allele origin: germline. Affected: yes. Not counted in ClinVar's aggregate classification.

Counsyl
Classification: Likely benign for Breast-ovarian cancer, familial, susceptibility to, 1. Last evaluated: 2017-07-24. Review status: no assertion criteria provided. Collection method: clinical testing. Allele origin: unknown. Not counted in ClinVar's aggregate classification.

Breast Cancer Information Core (BIC) (BRCA1)
Classification: Uncertain significance for Breast-ovarian cancer, familial 1. Last evaluated: 2010-12-17. Review status: no assertion criteria provided. Collection method: clinical testing. Allele origin: germline. Affected: yes. Observed: 2 variant alleles. Not counted in ClinVar's aggregate classification.

Clinical Genetics DNA and cytogenetics Diagnostics Lab, Erasmus MC, Erasmus Medical Center
Classification: Benign. Review status: no assertion criteria provided. Collection method: clinical testing. Allele origin: germline. Affected: yes. Study: VKGL Data-share Consensus. Not counted in ClinVar's aggregate classification.

Clinical Genetics Laboratory, Department of Pathology, Netherlands Cancer Institute
Classification: Likely benign. Review status: no assertion criteria provided. Collection method: clinical testing. Allele origin: germline. Affected: yes. Study: VKGL Data-share Consensus. Not counted in ClinVar's aggregate classification.

Department of Pathology and Laboratory Medicine, Sinai Health System
Classification: Likely benign for Malignant tumor of breast. Review status: no assertion criteria provided. Collection method: clinical testing. Allele origin: unknown. Affected: yes. Study: The Canadian Open Genetics Repository (COGR). Not counted in ClinVar's aggregate classification.
Comment: The BRCA1 c.547+14delG variant was identified in 3 of 796 proband chromosomes (frequency: 0.004) from Korean individuals or families with breast or ovarian cancer and was identified in 1 of 842 control chromosomes (frequency: 0.001) from healthy individuals (Choi 2015, Yoon 2016). A functional study using a minigene splicing assay found the variant had no effect on splicing and therefore was determined to be neutral (Steffensen_2014). The variant was also identified in dbSNP (ID: rs273902771) â€šÃ„ÃºWith other alleleâ€šÃ„Ã¹, ClinVar (classified with conflicting interpretations of pathogenicity; submitters: benign by Invitae, likely benign by Color Genomics Inc. and Laboratory Corporation of America, and uncertain significance by CHEO Genetics Diagnostic Laboratory and BIC), Clinvitae (3x), COGR (4 clinical laboratories with conflicting interpretations of pathogenicity), LOVD 3.0 (1x), and was not identified in Cosmic, MutDB, UMD-LSDB, BIC Database, ARUP Laboratories, Zhejiang Colon Cancer Database, the 1000 Genomes Project, the NHLBI GO Exome Sequencing Project, the Exome Aggregation Consortium (August 8th 2016), or the Genome Aggregation Database (Feb 27, 2017). The variant occurs outside of the splicing consensus sequence and 2 of 5 in silico or computational prediction software programs (SpliceSiteFinder, MaxEntScan, NNSPLICE, GeneSplicer, HumanSpliceFinder) predict a greater than 10% difference in splicing; this is not very predictive of pathogenicity. In summary, based on the above information the clinical significance of this variant cannot be determined with certainty at this time although we would lean towards a more benign role for this variant. This variant is classified as likely benign.

Literature cited by the submitters: PubMed 24667779 (cited by 3 submitters); PubMed 19370767 (cited by Women's Health and Genetics/Laboratory Corporation of America, LabCorp and Counsyl); PubMed 25682074 (cited by 3 submitters); PubMed 26402875 (cited by 3 submitters); PubMed 27658390 (cited by 3 submitters); PubMed 28364669 (cited by Women's Health and Genetics/Laboratory Corporation of America, LabCorp); PubMed 30725392 (cited by Women's Health and Genetics/Laboratory Corporation of America, LabCorp); PubMed 33078592 (cited by Women's Health and Genetics/Laboratory Corporation of America, LabCorp and Sema4); PubMed 34063308 (cited by Women's Health and Genetics/Laboratory Corporation of America, LabCorp); PubMed 32467295 (cited by Women's Health and Genetics/Laboratory Corporation of America, LabCorp and Sema4); PubMed 33875706 (cited by Women's Health and Genetics/Laboratory Corporation of America, LabCorp); PubMed 32092317 (cited by Women's Health and Genetics/Laboratory Corporation of America, LabCorp).

NM_007294.4(BRCA1):c.547+14del

Gene: BRCA1 (BRCA1 DNA repair associated; minus strand). Cytogenetic location: 17q21.31.
Variant type: Deletion.
Coding change: c.547+14del on transcript NM_007294.4 (MANE Select); 14 bases into the intron after coding-DNA position 547, one base deleted (G; older notation c.547+14delG).
Molecular consequence: intron variant.
Genome position (GRCh38, 1-based): chr17:43,099,761, C deleted on the plus strand (G on the coding strand, the reverse complement: BRCA1 is on the minus strand); the first of 2 consecutive C bases (chr17:43,099,761-43,099,762); deleting either gives the same sequence. VCF-style (leftmost placement, unchanged base first): chr17-43099760-AC-A. GRCh37 (hg19) VCF-style: chr17-41251777-AC-A.
Other names: IVS8+14delG; p.?; c.406+14del (NM_001408458.1, NM_001407922.1, NM_001408469.1 and 61 more transcripts); c.-218-4901del (NM_001407967.1, NM_001407966.1); c.166+14del (NM_001407959.1, NM_001408512.1, NM_001408510.1 and 3 more transcripts); c.403+14del (NM_001407931.1, NM_001407747.1, NM_001408470.1 and 35 more transcripts); c.163+14del (NM_001407962.1); c.337+14del (NM_001407885.1, NM_001407886.1, NM_001407881.1 and 37 more transcripts); and 8 more.
Identifiers: ClinVar variation 125880 (VCV000125880.74), dbSNP rs273902771, ClinGen allele CA003631.